The following is an entry in ClinVar:

ClinVar aggregate classification (germline): Uncertain significance (1 of 4 stars; one submission).

Allele frequency attached by ClinVar (database versions not stated): gnomAD exomes below 0.00001; TOPMed below 0.00001.

Submission:

Labcorp Genetics (formerly Invitae), Labcorp
Classification: Uncertain significance. Last evaluated: 2022-08-16. Review status: criteria provided, single submitter. Criteria: Invitae Variant Classification Sherloc (09022015). Collection method: clinical testing. Allele origin: germline.
Comment: This sequence change replaces aspartic acid with glycine at codon 257 of the COL18A1 protein (p.Asp257Gly). There is a moderate physicochemical difference between aspartic acid and glycine. This variant is present in population databases (rs773702907, gnomAD 0.003%). This variant has not been reported in the literature in individuals affected with COL18A1-related conditions. ClinVar contains an entry for this variant (Variation ID: 1471929). Experimental studies and prediction algorithms are not available or were not evaluated, and the functional significance of this variant is currently unknown. In summary, the available evidence is currently insufficient to determine the role of this variant in disease. Therefore, it has been classified as a Variant of Uncertain Significance.

NM_001379500.1(COL18A1):c.770A>G (p.Asp257Gly)

Gene: COL18A1 (collagen type XVIII alpha 1 chain; plus strand). Cytogenetic location: 21q22.3.
Variant type: single nucleotide variant.
Coding change: c.770A>G on transcript NM_001379500.1 (MANE Select); coding-DNA position 770, A replaced by G.
Protein change: p.Asp257Gly; replaces aspartic acid 257 with glycine.
Molecular consequence: missense variant.
Genome position (GRCh38, 1-based): chr21:45,475,507, A>G. VCF-style: chr21-45475507-A-G. GRCh37 (hg19) VCF-style: chr21-46895421-A-G.
Other names: c.1310A>G, p.Asp437Gly (NM_030582.4); c.2015A>G, p.Asp672Gly (NM_130444.3); short protein forms D257G, D672G, D437G.
Identifiers: ClinVar variation 1471929 (VCV001471929.3), dbSNP rs773702907, ClinGen allele CA321912978.